The following is an entry in ClinVar:

NM_001379500.1(COL18A1):c.2891G>A (p.Arg964Gln)

Genes: COL18A1 (collagen type XVIII alpha 1 chain; plus strand), SLC19A1 (solute carrier family 19 member 1; minus strand). Cytogenetic location: 21q22.3.
Variant type: single nucleotide variant.
Coding change: c.2891G>A on transcript NM_001379500.1 (MANE Select); coding-DNA position 2891, G replaced by A.
Protein change: p.Arg964Gln; replaces arginine 964 with glutamine.
Molecular consequence: missense variant.
Genome position (GRCh38, 1-based): chr21:45,505,156, G>A. VCF-style: chr21-45505156-G-A. GRCh37 (hg19) VCF-style: chr21-46925070-G-A.
Other names: c.3422G>A, p.Arg1141Gln (NM_030582.4); c.4127G>A, p.Arg1376Gln (NM_130444.3); short protein forms R1141Q, R1376Q, R964Q.
Identifiers: ClinVar variation 1900633 (VCV001900633.3), dbSNP rs762825455, ClinGen allele CA10067541.

ClinVar aggregate classification (germline): Uncertain significance (1 of 4 stars; one submission).

Allele frequency attached by ClinVar (database versions not stated): gnomAD 0.00004; gnomAD exomes 0.00005; ExAC 0.00009.
gnomAD v4.1: 73 of 1,608,698 alleles (0.0045%); highest among the groups gnomAD compares: Admixed American, 0.0084%; no homozygotes.

Submission:

Labcorp Genetics (formerly Invitae), Labcorp
Classification: Uncertain significance. Last evaluated: 2023-12-11. Review status: criteria provided, single submitter. Criteria: Invitae Variant Classification Sherloc (09022015). Collection method: clinical testing. Allele origin: germline.
Comment: This sequence change replaces arginine, which is basic and polar, with glutamine, which is neutral and polar, at codon 961 of the COL18A1 protein (p.Arg961Gln). This variant is present in population databases (rs762825455, gnomAD 0.01%). This variant has not been reported in the literature in individuals affected with COL18A1-related conditions. ClinVar contains an entry for this variant (Variation ID: 1900633). Experimental studies and prediction algorithms are not available or were not evaluated, and the functional significance of this variant is currently unknown. In summary, the available evidence is currently insufficient to determine the role of this variant in disease. Therefore, it has been classified as a Variant of Uncertain Significance.